The following is an entry in ClinVar:

NM_014423.4(AFF4):c.724T>C (p.Leu242=)

Gene: AFF4 (ALF transcription elongation factor 4; minus strand). Cytogenetic location: 5q31.1.
Variant type: single nucleotide variant.
Coding change: c.724T>C on transcript NM_014423.4 (MANE Select); coding-DNA position 724, T replaced by C.
Protein change: p.Leu242=; no amino-acid change (leucine 242 retained).
Molecular consequence: synonymous variant.
Genome position (GRCh38, 1-based): chr5:132,934,341, A>G on the plus strand (T>C on the coding strand, the complement: AFF4 is on the minus strand). VCF-style: chr5-132934341-A-G. GRCh37 (hg19) VCF-style: chr5-132270033-A-G.
Identifiers: ClinVar variation 4982278 (VCV004982278.1).

ClinVar aggregate classification (germline): Likely benign (1 of 4 stars; one submission).

Conditions:
AFF4-related disorder. Also called: AFF4-related condition.

gnomAD v4.1: 5 of 1,614,024 alleles (0.00031%); highest among the groups gnomAD compares: Admixed American, 0.0033%; no homozygotes.

Submission:

PreventionGenetics, part of Exact Sciences
Classification: Likely benign for AFF4-related condition. Last evaluated: 2024-12-08. Review status: criteria provided, single submitter. Criteria: ACMG Guidelines, 2015. Collection method: clinical testing. Allele origin: germline.
Comment: This variant is classified as likely benign based on ACMG/AMP sequence variant interpretation guidelines (Richards et al. 2015 PMID: 25741868, with internal and published modifications).